The following is an entry in ClinVar:

ClinVar aggregate classification (germline): Conflicting classifications of pathogenicity. Review status: criteria provided, conflicting classifications (1 of 4 stars). 2 submissions from 2 submitters: Pathogenic (1); Uncertain significance (1). Last evaluated 2025-09-15.

Conditions:
Trimethylaminuria (TMAU). Also called: Fish malodor syndrome; Stale fish syndrome; TMAuria; FISH-ODOR SYNDROME; Primary Trimethylaminuria. Identifiers: MedGen C0342739, MONDO:0011182, OMIM 602079, HP:0003614. Disease mechanism: loss of function.

Allele frequency attached by ClinVar (database versions not stated): gnomAD 0.00001; TOPMed 0.00001.
gnomAD v4.1: 1 of 1,613,660 alleles (0.000062%); highest among the groups gnomAD compares: East Asian, 0.0022%; no homozygotes.

Submissions (2):

Myriad Genetics, Inc.
Classification: Uncertain significance for Trimethylaminuria. Last evaluated: 2025-09-15. Review status: criteria provided, single submitter. Criteria: Myriad Autosomal Dominant, Autosomal Recessive and X-Linked Classification Criteria (2023). Collection method: clinical testing. Allele origin: unknown.
Comment: NM_001002294.2(FMO3):c.209C>T(P70L) is a missense variant classified as a variant of uncertain significance in the context of primary trimethylaminuria. P70L has been observed in a case with relevant disease (PMID: 22819296). Relevant functional assessments of this variant are not available in the literature. P70L has not been observed in referenced population frequency databases. In summary, there is insufficient evidence to classify NM_001002294.2(FMO3):c.209C>T(P70L) as pathogenic or benign. Please note: this variant was assessed in the context of healthy population screening.

Labcorp Genetics (formerly Invitae), Labcorp
Classification: Pathogenic. Last evaluated: 2023-03-07. Review status: criteria provided, single submitter. Criteria: Invitae Variant Classification Sherloc (09022015). Collection method: clinical testing. Allele origin: germline.
Comment: This sequence change replaces proline, which is neutral and non-polar, with leucine, which is neutral and non-polar, at codon 70 of the FMO3 protein (p.Pro70Leu). This variant is not present in population databases (gnomAD no frequency). This missense change has been observed in individual(s) with trimethylaminuria (PMID: 22819296, 24028545). In at least one individual the data is consistent with being in trans (on the opposite chromosome) from a pathogenic variant. Advanced modeling of protein sequence and biophysical properties (such as structural, functional, and spatial information, amino acid conservation, physicochemical variation, residue mobility, and thermodynamic stability) has been performed at Invitae for this missense variant, however the output from this modeling did not meet the statistical confidence thresholds required to predict the impact of this variant on FMO3 protein function. Experimental studies have shown that this missense change affects FMO3 function (PMID: 22819296). For these reasons, this variant has been classified as Pathogenic.

Literature cited by the submitters: PubMed 22819296 (cited by Myriad Genetics, Inc. and Labcorp Genetics (formerly Invitae), Labcorp); PubMed 24028545 (cited by Labcorp Genetics (formerly Invitae), Labcorp).

NM_001002294.3(FMO3):c.209C>T (p.Pro70Leu)

Gene: FMO3 (flavin containing dimethylaniline monoxygenase 3; plus strand). Cytogenetic location: 1q24.3.
Variant type: single nucleotide variant.
Coding change: c.209C>T on transcript NM_001002294.3 (MANE Select); coding-DNA position 209, C replaced by T.
Protein change: p.Pro70Leu; replaces proline 70 with leucine.
Molecular consequence: missense variant. On other transcripts: intron variant (1).
Genome position (GRCh38, 1-based): chr1:171,103,861, C>T. VCF-style: chr1-171103861-C-T. GRCh37 (hg19) VCF-style: chr1-171073002-C-T.
Other names: c.149C>T, p.Pro50Leu (NM_001319173.2); c.209C>T, p.Pro70Leu (NM_006894.6); c.133-3814C>T (NM_001319174.2); short protein forms P70L, P50L.
Identifiers: ClinVar variation 2734029 (VCV002734029.4), dbSNP rs888088733, ClinGen allele CA32542629.